The following is an entry in ClinVar:

ClinVar aggregate classification (germline): Conflicting classifications of pathogenicity. Review status: criteria provided, conflicting classifications (1 of 4 stars). 5 submissions from 5 submitters: Uncertain significance (1); Likely benign (4). Last evaluated 2026-04-21.

Conditions:
USH2A-related disorder. Also called: USH2A-related condition; USH2A-related disorders. Identifiers: MedGen CN239332.

Allele frequency attached by ClinVar (database versions not stated): ExAC 0.00006; gnomAD exomes 0.00006; gnomAD 0.00007 and 0.00009; TOPMed 0.00009.
gnomAD v4.1: 101 of 1,612,742 alleles (0.0063%); highest among the groups gnomAD compares: Non-Finnish European, 0.0079%; no homozygotes.

Submissions (5):

PreventionGenetics, part of Exact Sciences
Classification: Likely benign for USH2A-related condition. Last evaluated: 2026-04-21. Review status: criteria provided, single submitter. Criteria: ACMG Guidelines, 2015. Collection method: clinical testing. Allele origin: germline.
Comment: This variant is classified as likely benign based on ACMG/AMP sequence variant interpretation guidelines (Richards et al. 2015 PMID: 25741868, with internal and published modifications).

Labcorp Genetics (formerly Invitae), Labcorp
Classification: Likely benign. Last evaluated: 2026-01-03. Review status: criteria provided, single submitter. Criteria: Invitae Variant Classification Sherloc (09022015). Collection method: clinical testing. Allele origin: germline.

Blueprint Genetics
Classification: Likely benign. Last evaluated: 2024-07-31. Review status: criteria provided, single submitter. Criteria: ACMG Guidelines, 2015. Collection method: clinical testing. Allele origin: germline.

GeneDx
Classification: Uncertain significance. Last evaluated: 2022-05-06. Review status: criteria provided, single submitter. Criteria: GeneDx Variant Classification Process June 2021. Collection method: clinical testing. Allele origin: germline. Affected: yes.
Comment: In silico analysis supports that this variant does not alter splicing; Has not been previously published as pathogenic or benign to our knowledge

Laboratory for Molecular Medicine, Mass General Brigham Personalized Medicine
Classification: Likely benign. Last evaluated: 2017-06-20. Review status: criteria provided, single submitter. Criteria: LMM Criteria. Collection method: clinical testing. Allele origin: germline. Observed: 1 variant allele.
Comment: p.Tyr2179Tyr in exon 34 of USH2A: This variant is not expected to have clinical significance because it does not alter an amino acid residue and is not located within the splice consensus sequence. It has been identified in 16/126188 Europe an chromosomes by the Genome Aggregation Database (gnomAD; dbSNP rs768759268).

NM_206933.4(USH2A):c.6537T>C (p.Tyr2179=)

Gene: USH2A (usherin; minus strand). Cytogenetic location: 1q41.
Variant type: single nucleotide variant.
Coding change: c.6537T>C on transcript NM_206933.4 (MANE Select); coding-DNA position 6537, T replaced by C.
Protein change: p.Tyr2179=; no amino-acid change (tyrosine 2179 retained).
Molecular consequence: synonymous variant.
Genome position (GRCh38, 1-based): chr1:215,999,007, A>G on the plus strand (T>C on the coding strand, the complement: USH2A is on the minus strand). VCF-style: chr1-215999007-A-G. GRCh37 (hg19) VCF-style: chr1-216172349-A-G.
Identifiers: ClinVar variation 505897 (VCV000505897.17), dbSNP rs768759268, ClinGen allele CA1395109.